The following is an entry in ClinVar:

ClinVar aggregate classification (germline): Likely benign (1 of 4 stars; one submission).

Conditions:
Hereditary diffuse gastric adenocarcinoma (HDGC). Also called: DIFFUSE GASTRIC AND LOBULAR BREAST CANCER SYNDROME. Identifiers: Orphanet 26106, MedGen C1708349, MONDO:0007648, OMIM 137215.

gnomAD v4.1: 1 of 1,614,062 alleles (0.000062%); highest among the groups gnomAD compares: South Asian, 0.0011%; no homozygotes.

Submission:

Myriad Genetics, Inc.
Classification: Likely benign for Hereditary diffuse gastric adenocarcinoma. Last evaluated: 2024-09-18. Review status: criteria provided, single submitter. Criteria: Myriad Autosomal Dominant, Autosomal Recessive and X-Linked Classification Criteria (2023). Collection method: clinical testing. Allele origin: unknown.
Comment: This variant is considered likely benign. This variant is intronic and is not expected to impact mRNA splicing.

NM_004360.5(CDH1):c.1138-4G>T

Gene: CDH1 (cadherin 1; plus strand). Cytogenetic location: 16q22.1.
Variant type: single nucleotide variant.
Coding change: c.1138-4G>T on transcript NM_004360.5 (MANE Select); 4 bases into the intron before coding-DNA position 1138, G replaced by T.
Molecular consequence: intron variant.
Genome position (GRCh38, 1-based): chr16:68,813,309, G>T. VCF-style: chr16-68813309-G-T. GRCh37 (hg19) VCF-style: chr16-68847212-G-T.
Other names: c.-478-4G>T (NM_001317185.2); c.-682-4G>T (NM_001317186.2); c.1137+1046G>T (NM_001317184.2).
Identifiers: ClinVar variation 3378547 (VCV003378547.1).